The following is an entry in ClinVar:

ClinVar aggregate classification (germline): Uncertain significance (1 of 4 stars; one submission).

Conditions:
Intellectual developmental disorder, autosomal dominant 1. Also called: MBD5 Haploinsufficiency; Intellectual disability, autosomal dominant 1. Identifiers: Orphanet 228402, MedGen C1969562, MONDO:0007974, OMIM 156200.

gnomAD v4.1: 2 of 1,613,966 alleles (0.00012%); highest among the groups gnomAD compares: Admixed American, 0.0017%; no homozygotes.

Submission:

Labcorp Genetics (formerly Invitae), Labcorp
Classification: Uncertain significance for Intellectual developmental disorder, autosomal dominant 1. Last evaluated: 2024-08-12. Review status: criteria provided, single submitter. Criteria: Invitae Variant Classification Sherloc (09022015). Collection method: clinical testing. Allele origin: germline.
Comment: This sequence change replaces glycine, which is neutral and non-polar, with glutamic acid, which is acidic and polar, at codon 1181 of the MBD5 protein (p.Gly1181Glu). This variant is not present in population databases (gnomAD no frequency). This variant has not been reported in the literature in individuals affected with MBD5-related conditions. Experimental studies and prediction algorithms are not available or were not evaluated, and the functional significance of this variant is currently unknown. In summary, the available evidence is currently insufficient to determine the role of this variant in disease. Therefore, it has been classified as a Variant of Uncertain Significance.

NM_001378120.1(MBD5):c.4241G>A (p.Gly1414Glu)

Gene: MBD5 (methyl-CpG binding domain protein 5; plus strand). Cytogenetic location: 2q23.1.
Variant type: single nucleotide variant.
Coding change: c.4241G>A on transcript NM_001378120.1 (MANE Select); coding-DNA position 4241, G replaced by A.
Protein change: p.Gly1414Glu; replaces glycine 1414 with glutamic acid.
Molecular consequence: missense variant.
Genome position (GRCh38, 1-based): chr2:148,489,873, G>A. VCF-style: chr2-148489873-G-A. GRCh37 (hg19) VCF-style: chr2-149247442-G-A.
Other names: c.3542G>A, p.Gly1181Glu (NM_018328.5); short protein forms G1414E, G1181E.
Identifiers: ClinVar variation 3706808 (VCV003706808.2).
Genomic context (GRCh38, chr2:148,489,873, plus strand): 5'-CAAGAGGGGCTCGGCTGCCCAAGAATCTAGACCATGGGAAAAATGTGAACGAAGGAGATG[G>A]GTTTGAATATTTCAAGTCAGCAAGTTGCCACACATCCAAAAAACAGTGGGACGGGGAGCA-3'
Protein context (NP_001365049.1, residues 1404-1424): DHGKNVNEGD[Gly1414Glu]FEYFKSASCH